The following is an entry in ClinVar:

NM_139321.3(ATRN):c.8C>T (p.Ala3Val)

Genes: ATRN (attractin; plus strand), LOC130065331 (ATAC-STARR-seq lymphoblastoid silent region 12621; plus strand). Cytogenetic location: 20p13.
Variant type: single nucleotide variant.
Coding change: c.8C>T on transcript NM_139321.3 (MANE Select); coding-DNA position 8, C replaced by T.
Protein change: p.Ala3Val; replaces alanine 3 with valine.
Molecular consequence: missense variant. On other transcripts: synonymous variant (1).
Genome position (GRCh38, 1-based): chr20:3,471,115, C>T. VCF-style: chr20-3471115-C-T. GRCh37 (hg19) VCF-style: chr20-3451762-C-T.
Other names: c.43C>T, p.Leu15= (NM_001207047.3); c.8C>T, p.Ala3Val (NM_001323332.2, NM_139322.4); short protein forms A3V.
Identifiers: ClinVar variation 3690555 (VCV003690555.2).
Genomic context (GRCh38, chr20:3,471,115, plus strand): 5'-GCCGTGCGGTGTGTGTGTATGTGTTCGCGGGGCGCCGTCTCAGCCCCGGGAAGATGGTGG[C>T]TGCAGCGGCGGCAACTGAGGCAAGGCTGAGGAGGAGGACGGCGGCGACGGCAGCGCTCGC-3'
Protein context (NP_647537.1, residues 1-13): MV[Ala3Val]AAAATEARLR

ClinVar aggregate classification (germline): Uncertain significance (1 of 4 stars; one submission).

gnomAD v4.1: 1 of 1,510,460 alleles (0.000066%); highest among the groups gnomAD compares: Non-Finnish European, 0.000088%; no homozygotes.

Submission:

Labcorp Genetics (formerly Invitae), Labcorp
Classification: Uncertain significance. Last evaluated: 2024-12-04. Review status: criteria provided, single submitter. Criteria: Invitae Variant Classification Sherloc (09022015). Collection method: clinical testing. Allele origin: germline.
Comment: This sequence change replaces alanine, which is neutral and non-polar, with valine, which is neutral and non-polar, at codon 3 of the ATRN protein (p.Ala3Val). The frequency data for this variant in the population databases is considered unreliable, as metrics indicate poor data quality at this position in the gnomAD database. This variant has not been reported in the literature in individuals affected with ATRN-related conditions. An algorithm developed to predict the effect of missense changes on protein structure and function outputs the following: PolyPhen-2: "Not Available". The valine amino acid residue is found in multiple mammalian species, which suggests that this missense change does not adversely affect protein function. In summary, the available evidence is currently insufficient to determine the role of this variant in disease. Therefore, it has been classified as a Variant of Uncertain Significance.